The following is an entry in ClinVar:

ClinVar aggregate classification (germline): Pathogenic (1 of 4 stars; one submission).

Conditions:
Ataxia-telangiectasia syndrome (AT). Also called: Cerebello-oculocutaneous telangiectasia; Immunodeficiency with ataxia telangiectasia; ATAXIA-TELANGIECTASIA, FRESNO VARIANT; Ataxia-telangiectasia, complementation group D; Ataxia telangiectasia (A-T); LOUIS-BAR SYNDROME. Identifiers: Orphanet 100, MedGen C0004135, MONDO:0008840, OMIM 208900.

Submission:

Labcorp Genetics (formerly Invitae), Labcorp
Classification: Pathogenic for Ataxia-telangiectasia syndrome. Last evaluated: 2026-01-14. Review status: criteria provided, single submitter. Criteria: Invitae Variant Classification Sherloc (09022015). Collection method: clinical testing. Allele origin: germline.
Comment: This sequence change creates a premature translational stop signal (p.Phe1068Serfs*4) in the ATM gene. It is expected to result in an absent or disrupted protein product. Loss-of-function variants in ATM are known to be pathogenic (PMID: 23807571, 25614872). This variant is not present in population databases (gnomAD no frequency). This variant has not been reported in the literature in individuals affected with ATM-related conditions. ClinVar contains an entry for this variant (Variation ID: 1075029). For these reasons, this variant has been classified as Pathogenic.

Literature cited by the submitters: PubMed 23807571; PubMed 25614872.

NM_000051.4(ATM):c.3203_3204del (p.Phe1068fs)

Gene: ATM (ATM serine/threonine kinase; plus strand). Cytogenetic location: 11q22.3.
Variant type: Deletion.
Coding change: c.3203_3204del on transcript NM_000051.4 (MANE Select); coding-DNA positions 3203 to 3204, 2 bases deleted (TT; older notation c.3203_3204delTT).
Protein change: p.Phe1068fs; shifts the reading frame from phenylalanine 1068.
Molecular consequence: frameshift variant.
Genome position (GRCh38, 1-based): chr11:108,272,771-108,272,772, TT deleted; deleting any 2 consecutive bases within chr11:108,272,770-108,272,772 gives the same sequence; the c. name uses the placement nearest the transcript's 3' end. VCF-style (leftmost placement, unchanged base first): chr11-108272769-CTT-C. GRCh37 (hg19) VCF-style: chr11-108143496-CTT-C.
Other names: c.3203_3204del, p.Phe1068fs (NM_001351834.2); short protein forms F1068fs.
Identifiers: ClinVar variation 1075029 (VCV001075029.7), dbSNP rs2135571055, ClinGen allele CA2499220608.